The following is an entry in ClinVar:

ClinVar aggregate classification (germline): Uncertain significance (1 of 4 stars; one submission).

Conditions:
Inborn genetic diseases. Identifiers: MedGen C0950123, MeSH D030342.

Submission:

Ambry Genetics
Classification: Uncertain significance for Inborn genetic diseases. Last evaluated: 2026-08-05. Review status: criteria provided, single submitter. Criteria: Ambry Variant Classification Scheme 2023. Collection method: clinical testing. Allele origin: germline.
Comment: The p.W22R variant (also known as c.64T>C), located in coding exon 2 of the BUB1B gene, results from a T to C substitution at nucleotide position 64. The tryptophan at codon 22 is replaced by arginine, an amino acid with dissimilar properties. This amino acid position is conserved. In addition, the in silico prediction for this alteration is inconclusive. Based on the available evidence, the clinical significance of this variant remains unclear.

NM_001211.6(BUB1B):c.64T>C (p.Trp22Arg)

Gene: BUB1B (BUB1 mitotic checkpoint serine/threonine kinase B; plus strand). Cytogenetic location: 15q15.1.
Variant type: single nucleotide variant.
Coding change: c.64T>C on transcript NM_001211.6 (MANE Select); coding-DNA position 64, T replaced by C.
Protein change: p.Trp22Arg; replaces tryptophan 22 with arginine.
Molecular consequence: missense variant.
Genome position (GRCh38, 1-based): chr15:40,165,081, T>C. VCF-style: chr15-40165081-T-C. GRCh37 (hg19) VCF-style: chr15-40457282-T-C.
Other names: short protein forms W22R.
Identifiers: ClinVar variation 5033495 (VCV005033495.1).